The following is an entry in ClinVar:

NM_002137.4(HNRNPA2B1):c.476-19T>C

Gene: HNRNPA2B1 (heterogeneous nuclear ribonucleoprotein A2/B1; minus strand). Cytogenetic location: 7p15.2.
Variant type: single nucleotide variant.
Coding change: c.476-19T>C on transcript NM_002137.4 (MANE Select); 19 bases into the intron before coding-DNA position 476, T replaced by C.
Molecular consequence: intron variant.
Genome position (GRCh38, 1-based): chr7:26,196,677, A>G on the plus strand (T>C on the coding strand, the complement: HNRNPA2B1 is on the minus strand). VCF-style: chr7-26196677-A-G. GRCh37 (hg19) VCF-style: chr7-26236297-A-G.
Other names: c.476-19T>C (NM_001438578.1, NM_001438576.1, NM_001438575.1 and 4 more transcripts); c.512-19T>C (NM_001438574.1, NM_001438573.1, NM_001438568.1 and 3 more transcripts).
Identifiers: ClinVar variation 2893481 (VCV002893481.3), dbSNP rs769456701, ClinGen allele CA4194627.
Genomic context (GRCh38, chr7:26,196,677, plus strand): 5'-TTACTTCTGCATTATGACCATTGATGGTATGGTATTTCTGCACTGGAATGAAAAATTCAG[A>G]CTCCTTTTAAATTAAATCAACAATATTAAGCAGCTTCAAAAGTTTACCTTTCAATAAAGT-3'

ClinVar aggregate classification (germline): Uncertain significance (1 of 4 stars; one submission).

Conditions:
Inclusion body myopathy with early-onset Paget disease with or without frontotemporal dementia 2 (IBMPFD2). Also called: MULTISYSTEM PROTEINOPATHY 2. Identifiers: MedGen C3809468, MONDO:0014178, OMIM 615422.

Allele frequency attached by ClinVar (database versions not stated): ExAC 0.00001.
gnomAD v4.1: 4 of 1,598,406 alleles (0.00025%); highest among the groups gnomAD compares: Admixed American, 0.0017%; no homozygotes.

Submission:

Labcorp Genetics (formerly Invitae), Labcorp
Classification: Uncertain significance for Inclusion body myopathy with early-onset Paget disease with or without frontotemporal dementia 2. Last evaluated: 2023-06-29. Review status: criteria provided, single submitter. Criteria: Invitae Variant Classification Sherloc (09022015). Collection method: clinical testing. Allele origin: germline.
Comment: This sequence change falls in intron 5 of the HNRNPA2B1 gene. It does not directly change the encoded amino acid sequence of the HNRNPA2B1 protein. This variant is present in population databases (rs769456701, gnomAD 0.003%). This variant has not been reported in the literature in individuals affected with HNRNPA2B1-related conditions. Algorithms developed to predict the effect of sequence changes on RNA splicing suggest that this variant may create or strengthen a splice site. In summary, the available evidence is currently insufficient to determine the role of this variant in disease. Therefore, it has been classified as a Variant of Uncertain Significance.